The following is an entry in ClinVar:

ClinVar aggregate classification (germline): Likely pathogenic. Review status: criteria provided, multiple submitters, no conflicts (2 of 4 stars). 2 submissions from 2 submitters: Likely pathogenic (2). Last evaluated 2025-09-05.

Conditions:
Cardiovascular phenotype. Identifiers: MedGen CN230736.
TTN-related disorder. Also called: TTN-related condition; TTN-related disease; TTN-related disorders.

Submissions (2):

Ambry Genetics
Classification: Likely pathogenic for Cardiovascular phenotype. Last evaluated: 2025-09-05. Review status: criteria provided, single submitter. Criteria: Ambry Variant Classification Scheme 2023. Collection method: clinical testing. Allele origin: germline.
Comment: The c.40372delG variant, located in coding exon 146 of the TTN gene, results from a deletion of one nucleotide at nucleotide position 40372, causing a translational frameshift with a predicted alternate stop codon (p.V13458*). This exon is located in the A-band region of the N2-B isoform of the titin protein and is constitutively expressed in TTN transcripts (percent spliced in or PSI 100%). This variant was reported in individual(s) with features consistent with dilated cardiomyopathy (Mazzarotto F et al. Circulation, 2020 Feb;141:387-398). Note, this variant is also referred to as c.67567delG, p.Val22523Ter in the literature. This variant is considered to be rare based on population cohorts in the Genome Aggregation Database (gnomAD). This variant is expected to result in loss of function by premature protein truncation or nonsense-mediated mRNA decay. While truncating variants in TTN are present in 1-3% of the general population, truncating variants in the A-band are the most common cause of dilated cardiomyopathy (Herman DS et al. N. Engl. J. Med., 2012 Feb;366:619-28; Roberts AM et al. Sci Transl Med, 2015 Jan;7:270ra6). TTN truncating variants encoded in constitutive exons (PSI >90%) have been found to be significantly associated with DCM regardless of their position in titin (Schafer S et al. Nat. Genet., 2017 01;49:46-53; Akhtar MM et al. Circ Heart Fail, 2020 Oct;13:e006832; Massier M et al. Clin Genet, 2025 Jan). Based on the majority of available evidence to date, this variant is likely to be pathogenic.

Blueprint Genetics
Classification: Likely pathogenic for TTN-related disorders. Last evaluated: 2019-08-15. Review status: criteria provided, single submitter. Criteria: ACMG Guidelines, 2015. Collection method: clinical testing. Allele origin: germline. Affected: yes. Observed: 4 variant alleles.

Literature cited by the submitters: PubMed 31983221 (cited by Ambry Genetics).

NM_001267550.2(TTN):c.67567del (p.Arg22522_Val22523insTer)

Genes: TTN (titin; minus strand), TTN-AS1 (TTN antisense RNA 1; plus strand), LOC126806423 (CDK7 strongly-dependent group 2 enhancer GRCh37_chr2:179443309-179444508; plus strand). Cytogenetic location: 2q31.2.
Variant type: Deletion.
Coding change: c.67567del on transcript NM_001267550.2 (MANE Select); coding-DNA position 67567, one base deleted (G; older notation c.67567delG).
Protein change: p.Arg22522_Val22523insTer.
Molecular consequence: nonsense.
Genome position (GRCh38, 1-based): chr2:178,579,630, C deleted on the plus strand (G on the coding strand, the reverse complement: TTN is on the minus strand). VCF-style (leftmost placement, unchanged base first): chr2-178579629-AC-A. GRCh37 (hg19) VCF-style: chr2-179444356-AC-A.
Other names: c.62644del, p.Arg20881_Val20882insTer (NM_001256850.1); c.40372del, p.Arg13457_Val13458insTer (NM_003319.4); c.59863del, p.Arg19954_Val19955insTer (NM_133378.4); c.40747del, p.Arg13582_Val13583insTer (NM_133432.3); c.40948del, p.Arg13649_Val13650insTer (NM_133437.4); c.40372delG (NM_003319.4).
Identifiers: ClinVar variation 4193799 (VCV004193799.2).